The following is an entry in ClinVar:

NM_001291088.2(WDR87):c.8054A>G (p.Tyr2685Cys)

Gene: WDR87 (WD repeat domain 87; minus strand). Cytogenetic location: 19q13.13.
Variant type: single nucleotide variant.
Coding change: c.8054A>G on transcript NM_001291088.2 (MANE Select); coding-DNA position 8054, A replaced by G.
Protein change: p.Tyr2685Cys; replaces tyrosine 2685 with cysteine.
Molecular consequence: missense variant.
Genome position (GRCh38, 1-based): chr19:37,885,617, T>C on the plus strand (A>G on the coding strand, the complement: WDR87 is on the minus strand). VCF-style: chr19-37885617-T-C. GRCh37 (hg19) VCF-style: chr19-38376257-T-C.
Other names: c.7937A>G, p.Tyr2646Cys (NM_031951.5); short protein forms Y2646C, Y2685C.
Identifiers: ClinVar variation 3020582 (VCV003020582.3), dbSNP rs990783961, ClinGen allele CA308018613.
Genomic context (GRCh38, chr19:37,885,617, plus strand): 5'-AAGTATTGCATTTCCATCTCCTTGTGAGCAATGGATATCTGCTGTGCCCTCTCACTTCTG[T>C]AAGGTTCTCCTAGAAGATGCCAATTTTTAGCCCTTGGGTCTGGAATCCTCTTGGTAGCTA-3'
Protein context (NP_001278017.1, residues 2675-2695): AKNWHLLGEP[Tyr2685Cys]RSERAQQISI

ClinVar aggregate classification (germline): Uncertain significance (1 of 4 stars; one submission).

Allele frequency attached by ClinVar (database versions not stated): gnomAD exomes below 0.00001; TOPMed 0.00001.
gnomAD v4.1: 5 of 1,551,776 alleles (0.00032%); highest among the groups gnomAD compares: Non-Finnish European, 0.00044%; no homozygotes.

Submission:

Labcorp Genetics (formerly Invitae), Labcorp
Classification: Uncertain significance. Last evaluated: 2023-08-02. Review status: criteria provided, single submitter. Criteria: Invitae Variant Classification Sherloc (09022015). Collection method: clinical testing. Allele origin: germline.
Comment: Algorithms developed to predict the effect of missense changes on protein structure and function output the following: SIFT: "Not Available"; PolyPhen-2: "Not Available"; Align-GVGD: "Not Available". The cysteine amino acid residue is found in multiple mammalian species, which suggests that this missense change does not adversely affect protein function. In summary, the available evidence is currently insufficient to determine the role of this variant in disease. Therefore, it has been classified as a Variant of Uncertain Significance. This variant has not been reported in the literature in individuals affected with WDR87-related conditions. This sequence change replaces tyrosine, which is neutral and polar, with cysteine, which is neutral and slightly polar, at codon 2646 of the WDR87 protein (p.Tyr2646Cys). This variant is present in population databases (no rsID available, gnomAD 0.002%).